The following is an entry in ClinVar:

NM_057176.3(BSND):c.-25C>T

Gene: BSND (barttin CLCNK type accessory subunit beta; plus strand). Cytogenetic location: 1p32.3.
Variant type: single nucleotide variant.
Coding change: c.-25C>T on transcript NM_057176.3 (MANE Select); 25 bases upstream of the start codon, C replaced by T.
Molecular consequence: 5 prime UTR variant.
Genome position (GRCh38, 1-based): chr1:54,999,162, C>T. VCF-style: chr1-54999162-C-T. GRCh37 (hg19) VCF-style: chr1-55464835-C-T.
Identifiers: ClinVar variation 297676 (VCV000297676.5), dbSNP rs188418228, ClinGen allele CA871185.

ClinVar aggregate classification (germline): Benign/Likely benign. Review status: criteria provided, multiple submitters, no conflicts (2 of 4 stars). 2 submissions from 2 submitters: Benign (1); Likely benign (1). Last evaluated 2018-01-12.

Conditions:
Bartter disease type 4A. Also called: BARTTER SYNDROME, NEONATAL, WITH SENSORINEURAL DEAFNESS; BARTTER SYNDROME, TYPE 4A, NEONATAL, WITH SENSORINEURAL DEAFNESS. Identifiers: Orphanet 112, MedGen C1865270, MONDO:0011242, OMIM 602522.

Allele frequency attached by ClinVar (database versions not stated): gnomAD exomes 0.00085; ExAC 0.00101; TOPMed 0.00322; gnomAD 0.00323 and 0.00331; ESP Exome Variant Server 0.00346; 1000 Genomes Project 0.00579; 1000 Genomes Project 30x 0.00640.
gnomAD v4.1: 909 of 1,613,216 alleles (0.056%); highest among the groups gnomAD compares: African/African-American, 1.1%; 7 homozygotes.

Submissions (2):

Illumina Laboratory Services, Illumina
Classification: Benign for Bartter disease type 4A. Last evaluated: 2018-01-12. Review status: criteria provided, single submitter. Criteria: ICSL Variant Classification Criteria 13 December 2019. Collection method: clinical testing. Allele origin: germline.
Comment: This variant was observed in the ICSL laboratory as part of a predisposition screen in an ostensibly healthy population. It had not been previously curated by ICSL or reported in the Human Gene Mutation Database (HGMD: prior to June 1st, 2018), and was therefore a candidate for classification through an automated scoring system. Utilizing variant allele frequency, disease prevalence and penetrance estimates, and inheritance mode, an automated score was calculated to assess if this variant is too frequent to cause the disease. Based on the score and internal cut-off values, a variant classified as benign is not then subjected to further curation. The score for this variant resulted in a classification of benign for this disease.

GeneDx
Classification: Likely benign. Last evaluated: 2017-11-03. Review status: criteria provided, single submitter. Criteria: GeneDx Variant Classification (06012015). Collection method: clinical testing. Allele origin: germline. Affected: yes.
Comment: This variant is considered likely benign or benign based on one or more of the following criteria: it is a conservative change, it occurs at a poorly conserved position in the protein, it is predicted to be benign by multiple in silico algorithms, and/or has population frequency not consistent with disease.